The following is an entry in ClinVar:

NM_003737.4(DCHS1):c.967G>A (p.Glu323Lys)

Gene: DCHS1 (dachsous cadherin-related 1; minus strand). Cytogenetic location: 11p15.4.
Variant type: single nucleotide variant.
Coding change: c.967G>A on transcript NM_003737.4 (MANE Select); coding-DNA position 967, G replaced by A.
Protein change: p.Glu323Lys; replaces glutamic acid 323 with lysine.
Molecular consequence: missense variant.
Genome position (GRCh38, 1-based): chr11:6,640,647, C>T on the plus strand (G>A on the coding strand, the complement: DCHS1 is on the minus strand). VCF-style: chr11-6640647-C-T. GRCh37 (hg19) VCF-style: chr11-6661878-C-T.
Other names: short protein forms E323K.
Identifiers: ClinVar variation 2752430 (VCV002752430.3), dbSNP rs2493841916, ClinGen allele CA379438334.

ClinVar aggregate classification (germline): Uncertain significance (1 of 4 stars; one submission).

Submission:

Labcorp Genetics (formerly Invitae), Labcorp
Classification: Uncertain significance. Last evaluated: 2025-10-13. Review status: criteria provided, single submitter. Criteria: Invitae Variant Classification Sherloc (09022015). Collection method: clinical testing. Allele origin: germline.
Comment: This sequence change replaces glutamic acid, which is acidic and polar, with lysine, which is basic and polar, at codon 323 of the DCHS1 protein (p.Glu323Lys). This variant is not present in population databases (gnomAD no frequency). This variant has not been reported in the literature in individuals affected with DCHS1-related conditions. ClinVar contains an entry for this variant (Variation ID: 2752430). Invitae Evidence Modeling of protein sequence and biophysical properties (such as structural, functional, and spatial information, amino acid conservation, physicochemical variation, residue mobility, and thermodynamic stability) indicates that this missense variant is not expected to disrupt DCHS1 protein function with a negative predictive value of 80%. In summary, the available evidence is currently insufficient to determine the role of this variant in disease. Therefore, it has been classified as a Variant of Uncertain Significance.